The following is an entry in ClinVar:

NM_020928.2(ZSWIM6):c.1741T>C (p.Tyr581His)

Gene: ZSWIM6 (zinc finger SWIM-type containing 6; plus strand). Cytogenetic location: 5q12.1.
Variant type: single nucleotide variant.
Coding change: c.1741T>C on transcript NM_020928.2 (MANE Select); coding-DNA position 1741, T replaced by C.
Protein change: p.Tyr581His; replaces tyrosine 581 with histidine.
Molecular consequence: missense variant.
Genome position (GRCh38, 1-based): chr5:61,526,300, T>C. VCF-style: chr5-61526300-T-C. GRCh37 (hg19) VCF-style: chr5-60822127-T-C.
Other names: short protein forms Y581H.
Identifiers: ClinVar variation 2746589 (VCV002746589.3), dbSNP rs2478349722, ClinGen allele CA359943757.

ClinVar aggregate classification (germline): Uncertain significance (1 of 4 stars; one submission).

gnomAD v4.1: 4 of 1,551,948 alleles (0.00026%); highest among the groups gnomAD compares: Non-Finnish European, 0.00035%; no homozygotes.

Submission:

Labcorp Genetics (formerly Invitae), Labcorp
Classification: Uncertain significance. Last evaluated: 2023-07-25. Review status: criteria provided, single submitter. Criteria: Invitae Variant Classification Sherloc (09022015). Collection method: clinical testing. Allele origin: germline.
Comment: In summary, the available evidence is currently insufficient to determine the role of this variant in disease. Therefore, it has been classified as a Variant of Uncertain Significance. An algorithm developed to predict the effect of missense changes on protein structure and function (PolyPhen-2) suggests that this variant is likely to be disruptive. This sequence change replaces tyrosine, which is neutral and polar, with histidine, which is basic and polar, at codon 581 of the ZSWIM6 protein (p.Tyr581His). This variant is not present in population databases (gnomAD no frequency). This variant has not been reported in the literature in individuals affected with ZSWIM6-related conditions.